The following is an entry in ClinVar:

ClinVar aggregate classification (germline): Uncertain significance (1 of 4 stars; one submission).

Submission:

Labcorp Genetics (formerly Invitae), Labcorp
Classification: Uncertain significance. Last evaluated: 2022-07-06. Review status: criteria provided, single submitter. Criteria: Invitae Variant Classification Sherloc (09022015). Collection method: clinical testing. Allele origin: germline.
Comment: Algorithms developed to predict the effect of missense changes on protein structure and function are either unavailable or do not agree on the potential impact of this missense change (SIFT: "Deleterious"; PolyPhen-2: "Benign"; Align-GVGD: "Class C55"). In summary, the available evidence is currently insufficient to determine the role of this variant in disease. Therefore, it has been classified as a Variant of Uncertain Significance. This variant has not been reported in the literature in individuals affected with MYH3-related conditions. This variant is not present in population databases (gnomAD no frequency). This sequence change replaces alanine, which is neutral and non-polar, with threonine, which is neutral and polar, at codon 1063 of the MYH3 protein (p.Ala1063Thr).

NM_002470.4(MYH3):c.3187G>A (p.Ala1063Thr)

Gene: MYH3 (myosin heavy chain 3; minus strand). Cytogenetic location: 17p13.1.
Variant type: single nucleotide variant.
Coding change: c.3187G>A on transcript NM_002470.4 (MANE Select); coding-DNA position 3187, G replaced by A.
Protein change: p.Ala1063Thr; replaces alanine 1063 with threonine.
Molecular consequence: missense variant.
Genome position (GRCh38, 1-based): chr17:10,639,105, C>T on the plus strand (G>A on the coding strand, the complement: MYH3 is on the minus strand). VCF-style: chr17-10639105-C-T. GRCh37 (hg19) VCF-style: chr17-10542422-C-T.
Other names: short protein forms A1063T.
Identifiers: ClinVar variation 2014742 (VCV002014742.4), dbSNP rs2508596692, ClinGen allele CA398154385.